The following is an entry in ClinVar:

ClinVar aggregate classification (germline): Likely benign. Review status: criteria provided, multiple submitters, no conflicts (2 of 4 stars). 4 submissions from 4 submitters: Likely benign (4). Last evaluated 2025-12-22.

Conditions:
Primary dilated cardiomyopathy (DCM). Also called: Dilated Cardiomyopathy. Identifiers: Orphanet 217604, MedGen C0007193, MeSH D002311, MONDO:0005021, HP:0001644. Inheritance: Various modes of inheritance.

Allele frequency attached by ClinVar (database versions not stated): ESP Exome Variant Server 0.00008; ExAC 0.00003; gnomAD exomes 0.00003; TOPMed 0.00003; gnomAD 0.00004 and 0.00005.
gnomAD v4.1: 52 of 1,576,532 alleles (0.0033%); highest among the groups gnomAD compares: Non-Finnish European, 0.0039%; no homozygotes.

Submissions (4):

Labcorp Genetics (formerly Invitae), Labcorp
Classification: Likely benign for Primary dilated cardiomyopathy. Last evaluated: 2025-12-22. Review status: criteria provided, single submitter. Criteria: Invitae Variant Classification Sherloc (09022015). Collection method: clinical testing. Allele origin: germline.

CeGaT Center for Human Genetics Tuebingen
Classification: Likely benign. Last evaluated: 2022-08-01. Review status: criteria provided, single submitter. Criteria: CeGaT Center For Human Genetics Tuebingen Variant Classification Criteria Version 2. Collection method: clinical testing. Allele origin: germline. Affected: yes. Observed: 1 variant allele.
Comment: NEBL: BP4, BP7

Ambry Genetics
Classification: Likely benign. Last evaluated: 2019-10-28. Review status: criteria provided, single submitter. Criteria: Ambry Variant Classification Scheme 2023. Collection method: clinical testing. Allele origin: germline.

GeneDx
Classification: Likely benign. Last evaluated: 2015-12-11. Review status: criteria provided, single submitter. Criteria: GeneDx Variant Classification (06012015). Collection method: clinical testing. Allele origin: germline. Affected: yes.
Comment: This variant is considered likely benign or benign based on one or more of the following criteria: it is a conservative change, it occurs at a poorly conserved position in the protein, it is predicted to be benign by multiple in silico algorithms, and/or has population frequency not consistent with disease.

NM_006393.3(NEBL):c.792G>A (p.Ala264=)

Gene: NEBL (nebulette; minus strand). Cytogenetic location: 10p12.31.
Variant type: single nucleotide variant.
Coding change: c.792G>A on transcript NM_006393.3 (MANE Select); coding-DNA position 792, G replaced by A.
Protein change: p.Ala264=; no amino-acid change (alanine 264 retained).
Molecular consequence: synonymous variant. On other transcripts: intron variant (9).
Genome position (GRCh38, 1-based): chr10:20,859,719, C>T on the plus strand (G>A on the coding strand, the complement: NEBL is on the minus strand). VCF-style: chr10-20859719-C-T. GRCh37 (hg19) VCF-style: chr10-21148648-C-T.
Other names: c.250-46779G>A (NM_001377326.1, NM_001377327.1, NM_001377328.1); c.358-46779G>A (NM_213569.2, NM_001173484.2, NM_001377322.1); c.301-46779G>A (NM_001377324.1); c.292-46779G>A (NM_001377325.1); c.310-46779G>A (NM_001377323.1).
Identifiers: ClinVar variation 382266 (VCV000382266.34), dbSNP rs375771045, ClinGen allele CA5433114.